The following is an entry in ClinVar:

NM_001277115.2(DNAH11):c.3061G>A (p.Val1021Met)

Genes: DNAH11 (dynein axonemal heavy chain 11; plus strand), LOC126859961 (BRD4-independent group 4 enhancer GRCh37_chr7:21639662-21640861; plus strand). Cytogenetic location: 7p15.3.
Variant type: single nucleotide variant.
Coding change: c.3061G>A on transcript NM_001277115.2 (MANE Select); coding-DNA position 3061, G replaced by A.
Protein change: p.Val1021Met; replaces valine 1021 with methionine.
Molecular consequence: missense variant.
Genome position (GRCh38, 1-based): chr7:21,600,736, G>A. VCF-style: chr7-21600736-G-A. GRCh37 (hg19) VCF-style: chr7-21640354-G-A.
Other names: short protein forms V1021M.
Identifiers: ClinVar variation 3704141 (VCV003704141.2).
Genomic context (GRCh38, chr7:21,600,736, plus strand): 5'-AATGATATGGATAACATGTTAGGCCTGGCAGAGGTCAGGCAGGAGATCATGAACAGAGTG[G>A]TGAATGTCATCAACAAAGTCTTAGATTTCAGAAACACCCTGGAGACCCACACTTACCTCT-3'
Protein context (NP_001264044.1, residues 1011-1031): EVRQEIMNRV[Val1021Met]NVINKVLDFR

ClinVar aggregate classification (germline): Uncertain significance (1 of 4 stars; one submission).

Conditions:
Primary ciliary dyskinesia. Also called: Ciliary dyskinesia. Identifiers: Orphanet 244, MedGen C0008780, MONDO:0016575, HP:0012265.

gnomAD v4.1: 1 of 1,613,810 alleles (0.000062%); highest among the groups gnomAD compares: Non-Finnish European, 0.000085%; no homozygotes.

Submission:

Labcorp Genetics (formerly Invitae), Labcorp
Classification: Uncertain significance for Primary ciliary dyskinesia. Last evaluated: 2024-09-11. Review status: criteria provided, single submitter. Criteria: Invitae Variant Classification Sherloc (09022015). Collection method: clinical testing. Allele origin: germline.
Comment: This sequence change replaces valine, which is neutral and non-polar, with methionine, which is neutral and non-polar, at codon 1021 of the DNAH11 protein (p.Val1021Met). This variant is not present in population databases (gnomAD no frequency). This variant has not been reported in the literature in individuals affected with DNAH11-related conditions. Invitae Evidence Modeling of protein sequence and biophysical properties (such as structural, functional, and spatial information, amino acid conservation, physicochemical variation, residue mobility, and thermodynamic stability) indicates that this missense variant is not expected to disrupt DNAH11 protein function with a negative predictive value of 95%. In summary, the available evidence is currently insufficient to determine the role of this variant in disease. Therefore, it has been classified as a Variant of Uncertain Significance.